The following is an entry in ClinVar:

ClinVar aggregate classification (germline): Uncertain significance (1 of 4 stars; one submission).

Conditions:
Autosomal dominant limb-girdle muscular dystrophy type 1D (DNAJB6) (LGMDD1). Also called: MUSCULAR DYSTROPHY, LIMB-GIRDLE, TYPE 1D; MUSCULAR DYSTROPHY, AUTOSOMAL DOMINANT, WITH RIMMED VACUOLES; Autosomal dominant limb-girdle muscular dystrophy type 1D; Muscular dystrophy, limb-girdle, autosomal dominant 1. Identifiers: Orphanet 34516, MedGen C4721885, MONDO:0021018, OMIM 603511.

gnomAD v4.1: 1 of 1,613,710 alleles (0.000062%); highest among the groups gnomAD compares: Non-Finnish European, 0.000085%; no homozygotes.

Submission:

Labcorp Genetics (formerly Invitae), Labcorp
Classification: Uncertain significance for Autosomal dominant limb-girdle muscular dystrophy type 1D (DNAJB6). Last evaluated: 2024-10-28. Review status: criteria provided, single submitter. Criteria: Invitae Variant Classification Sherloc (09022015). Collection method: clinical testing. Allele origin: germline.
Comment: This sequence change replaces alanine, which is neutral and non-polar, with aspartic acid, which is acidic and polar, at codon 59 of the DNAJB6 protein (p.Ala59Asp). This variant is not present in population databases (gnomAD no frequency). This variant has not been reported in the literature in individuals affected with DNAJB6-related conditions. An algorithm developed to predict the effect of missense changes on protein structure and function (PolyPhen-2) suggests that this variant is likely to be tolerated. In summary, the available evidence is currently insufficient to determine the role of this variant in disease. Therefore, it has been classified as a Variant of Uncertain Significance.

NM_058246.4(DNAJB6):c.176C>A (p.Ala59Asp)

Gene: DNAJB6 (DnaJ heat shock protein family (Hsp40) member B6; plus strand). Cytogenetic location: 7q36.3.
Variant type: single nucleotide variant.
Coding change: c.176C>A on transcript NM_058246.4 (MANE Select); coding-DNA position 176, C replaced by A.
Protein change: p.Ala59Asp; replaces alanine 59 with aspartic acid.
Molecular consequence: missense variant.
Genome position (GRCh38, 1-based): chr7:157,366,502, C>A. VCF-style: chr7-157366502-C-A. GRCh37 (hg19) VCF-style: chr7-157159196-C-A.
Other names: c.176C>A, p.Ala59Asp (NM_001363676.1, NM_005494.3); short protein forms A59D.
Identifiers: ClinVar variation 3683843 (VCV003683843.2).